The following is an entry in ClinVar:

ClinVar aggregate classification (germline): Benign/Likely benign. Review status: criteria provided, multiple submitters, no conflicts (2 of 4 stars). 4 submissions from 4 submitters: Benign (2); Likely benign (2). Last evaluated 2026-06-01.

Allele frequency attached by ClinVar (database versions not stated): ESP Exome Variant Server 0.00352; 1000 Genomes Project 30x 0.00406; 1000 Genomes Project 0.00419; TOPMed 0.00447; gnomAD 0.00494 and 0.00505.
gnomAD v4.1: 9,583 of 1,559,740 alleles (0.61%); highest among the groups gnomAD compares: Non-Finnish European, 0.69%; 32 homozygotes.

Submissions (4):

CeGaT Center for Human Genetics Tuebingen
Classification: Likely benign. Last evaluated: 2026-06-01. Review status: criteria provided, single submitter. Criteria: CeGaT Center For Human Genetics Tuebingen Variant Classification Criteria Version 2. Collection method: clinical testing. Allele origin: germline. Affected: yes. Observed: 14 variant alleles.
Comment: APC2: BP4, BS2

Labcorp Genetics (formerly Invitae), Labcorp
Classification: Benign. Last evaluated: 2026-01-12. Review status: criteria provided, single submitter. Criteria: Invitae Variant Classification Sherloc (09022015). Collection method: clinical testing. Allele origin: germline.

Blueprint Genetics
Classification: Likely benign. Last evaluated: 2024-11-21. Review status: criteria provided, single submitter. Criteria: ACMG Guidelines, 2015. Collection method: clinical testing. Allele origin: germline.

Breakthrough Genomics
Classification: Benign. Review status: criteria provided, single submitter. Criteria: ACMG Guidelines, 2015. Collection method: not provided. Allele origin: germline. Inheritance: Autosomal recessive inheritance. Affected: yes.

NM_005883.3(APC2):c.3044C>T (p.Pro1015Leu)

Gene: APC2 (APC regulator of Wnt signaling pathway 2; plus strand). Cytogenetic location: 19p13.3.
Variant type: single nucleotide variant.
Coding change: c.3044C>T on transcript NM_005883.3 (MANE Select); coding-DNA position 3044, C replaced by T.
Protein change: p.Pro1015Leu; replaces proline 1015 with leucine.
Molecular consequence: missense variant.
Genome position (GRCh38, 1-based): chr19:1,466,345, C>T. VCF-style: chr19-1466345-C-T. GRCh37 (hg19) VCF-style: chr19-1466344-C-T.
Other names: c.3041C>T, p.Pro1014Leu (NM_001351273.1); short protein forms P1014L, P1015L.
Identifiers: ClinVar variation 778152 (VCV000778152.33), dbSNP rs145292370, ClinGen allele CA9045608.
Genomic context (GRCh38, chr19:1,466,345, plus strand): 5'-TGTCGCCTACCTATCAGCACGTGCCACTGCTTGAGGGTGCCTCAAGGGCGGGTGCAGAGC[C>T]CCTCGCGGGGCCTGGAATCTCTCCAGGGGCCCGGAAGCAGGCCTGGCTGCCGGCAGACCA-3'
Protein context (NP_005874.1, residues 1005-1025): LEGASRAGAE[Pro1015Leu]LAGPGISPGA